The following is an entry in ClinVar:

NM_181882.3(PRX):c.4306C>G (p.Arg1436Gly)

Gene: PRX (periaxin; minus strand). Cytogenetic location: 19q13.2.
Variant type: single nucleotide variant.
Coding change: c.4306C>G on transcript NM_181882.3 (MANE Select); coding-DNA position 4306, C replaced by G.
Protein change: p.Arg1436Gly; replaces arginine 1436 with glycine.
Molecular consequence: missense variant. On other transcripts: 3 prime UTR variant (1).
Genome position (GRCh38, 1-based): chr19:40,394,046, G>C on the plus strand (C>G on the coding strand, the complement: PRX is on the minus strand). VCF-style: chr19-40394046-G-C. GRCh37 (hg19) VCF-style: chr19-40899953-G-C.
Other names: c.4591C>G, p.Arg1531Gly (NM_001411127.1); c.*4511C>G (NM_020956.2); short protein forms R1436G, R1531G.
Identifiers: ClinVar variation 1739585 (VCV001739585.2), dbSNP rs1332674327, ClinGen allele CA405889794.

ClinVar aggregate classification (germline): Uncertain significance (1 of 4 stars; one submission).

Conditions:
Inborn genetic diseases. Identifiers: MedGen C0950123, MeSH D030342.

Allele frequency attached by ClinVar (database versions not stated): TOPMed below 0.00001.
gnomAD v4.1: 3 of 1,612,518 alleles (0.00019%); highest among the groups gnomAD compares: African/African-American, 0.004%; no homozygotes.

Submission:

Ambry Genetics
Classification: Uncertain significance for Inborn genetic diseases. Last evaluated: 2021-04-01. Review status: criteria provided, single submitter. Criteria: Ambry Variant Classification Scheme 2023. Collection method: clinical testing. Allele origin: germline.
Comment: The p.R1436G variant (also known as c.4306C>G), located in coding exon 4 of the PRX gene, results from a C to G substitution at nucleotide position 4306. The arginine at codon 1436 is replaced by glycine, an amino acid with dissimilar properties. This amino acid position is well conserved in available vertebrate species. In addition, this alteration is predicted to be tolerated by in silico analysis. Since supporting evidence is limited at this time, the clinical significance of this alteration remains unclear.